The following is an entry in ClinVar:

NM_015896.4(ZMYND10):c.85T>C (p.Ser29Pro)

Gene: ZMYND10 (zinc finger MYND-type containing 10; minus strand). Cytogenetic location: 3p21.31.
Variant type: single nucleotide variant.
Coding change: c.85T>C on transcript NM_015896.4 (MANE Select); coding-DNA position 85, T replaced by C.
Protein change: p.Ser29Pro; replaces serine 29 with proline.
Molecular consequence: missense variant.
Genome position (GRCh38, 1-based): chr3:50,345,495, A>G on the plus strand (T>C on the coding strand, the complement: ZMYND10 is on the minus strand). VCF-style: chr3-50345495-A-G. GRCh37 (hg19) VCF-style: chr3-50382926-A-G.
Other names: c.85T>C (NM_015896.3); c.85T>C, p.Ser29Pro (NM_001308379.2); short protein forms S29P.
Identifiers: ClinVar variation 410632 (VCV000410632.10), dbSNP rs587621539, ClinGen allele CA2417323.

ClinVar aggregate classification (germline): Pathogenic. Review status: criteria provided, single submitter (1 of 4 stars). 2 submissions from 2 submitters: Pathogenic (1). 1 of the submissions does not count toward it. Last evaluated 2025-05-01.

Conditions:
ZMYND10-related disorder. Also called: ZMYND10-related condition.
Primary ciliary dyskinesia. Also called: Ciliary dyskinesia. Identifiers: Orphanet 244, MedGen C0008780, MONDO:0016575, HP:0012265.

Allele frequency attached by ClinVar (database versions not stated): ExAC 0.00002; gnomAD exomes 0.00002 and 0.00003; gnomAD 0.00010 and 0.00011; TOPMed 0.00014; 1000 Genomes Project 30x 0.00016; 1000 Genomes Project 0.00020.

Submissions (2):

Labcorp Genetics (formerly Invitae), Labcorp
Classification: Pathogenic for Primary ciliary dyskinesia. Last evaluated: 2025-05-01. Review status: criteria provided, single submitter. Criteria: Invitae Variant Classification Sherloc (09022015). Collection method: clinical testing. Allele origin: germline.
Comment: This sequence change replaces serine, which is neutral and polar, with proline, which is neutral and non-polar, at codon 29 of the ZMYND10 protein (p.Ser29Pro). This variant is present in population databases (rs587621539, gnomAD 0.006%). This missense change has been observed in individual(s) with primary ciliary dyskinesia and features suggestive of primary ciliary dyskinesia (PMID: 23891469; internal data). In at least one individual the data is consistent with being in trans (on the opposite chromosome) from a pathogenic variant. ClinVar contains an entry for this variant (Variation ID: 410632). Invitae Evidence Modeling of protein sequence and biophysical properties (such as structural, functional, and spatial information, amino acid conservation, physicochemical variation, residue mobility, and thermodynamic stability) indicates that this missense variant is expected to disrupt ZMYND10 protein function with a positive predictive value of 80%. For these reasons, this variant has been classified as Pathogenic.

PreventionGenetics, part of Exact Sciences
Classification: Likely pathogenic for ZMYND10-related condition. Last evaluated: 2024-05-28. Review status: no assertion criteria provided. Collection method: clinical testing. Allele origin: germline. Not counted in ClinVar's aggregate classification.
Comment: The ZMYND10 c.85T>C variant is predicted to result in the amino acid substitution p.Ser29Pro. This variant has been reported in the homozygous state in individuals with primary ciliary dyskinesia (Table 1, Zariwala et al. 2013. PubMed ID: 23891469). This variant is reported in 0.0059% of alleles in individuals of Latino descent in gnomAD. This variant is interpreted as likely pathogenic.

Literature cited by the submitters: PubMed 23891469 (cited by Labcorp Genetics (formerly Invitae), Labcorp).